The following is an entry in ClinVar:

ClinVar aggregate classification (germline): Uncertain significance (1 of 4 stars; one submission).

Conditions:
Nemaline myopathy 2 (NEM2). Also called: Nemaline myopathy 2, autosomal recessive. Identifiers: MedGen C1850569, MONDO:0009725, OMIM 256030.

Allele frequency attached by ClinVar (database versions not stated): gnomAD exomes below 0.00001.
gnomAD v4.1: 1 of 1,600,896 alleles (0.000062%); highest among the groups gnomAD compares: South Asian, 0.0011%; no homozygotes.

Submission:

Labcorp Genetics (formerly Invitae), Labcorp
Classification: Uncertain significance for Nemaline myopathy 2. Last evaluated: 2021-06-07. Review status: criteria provided, single submitter. Criteria: Invitae Variant Classification Sherloc (09022015). Collection method: clinical testing. Allele origin: germline.
Comment: This sequence change replaces leucine with proline at codon 1783 of the NEB protein (p.Leu1783Pro). The leucine residue is moderately conserved and there is a moderate physicochemical difference between leucine and proline. This variant is not present in population databases (ExAC no frequency). This variant has not been reported in the literature in individuals with NEB-related conditions. Algorithms developed to predict the effect of missense changes on protein structure and function are either unavailable or do not agree on the potential impact of this missense change (SIFT: "Deleterious"; PolyPhen-2: "Not Available"; Align-GVGD: "Class C0"). In summary, the available evidence is currently insufficient to determine the role of this variant in disease. Therefore, it has been classified as a Variant of Uncertain Significance.

NM_001164508.2(NEB):c.5348T>C (p.Leu1783Pro)

Gene: NEB (nebulin; minus strand). Cytogenetic location: 2q23.3.
Variant type: single nucleotide variant.
Coding change: c.5348T>C on transcript NM_001164508.2 (MANE Select); coding-DNA position 5348, T replaced by C.
Protein change: p.Leu1783Pro; replaces leucine 1783 with proline.
Molecular consequence: missense variant.
Genome position (GRCh38, 1-based): chr2:151,664,604, A>G on the plus strand (T>C on the coding strand, the complement: NEB is on the minus strand). VCF-style: chr2-151664604-A-G. GRCh37 (hg19) VCF-style: chr2-152521118-A-G.
Other names: c.5348T>C, p.Leu1783Pro (NM_001164507.2, NM_001271208.2, NM_004543.5); short protein forms L1783P.
Identifiers: ClinVar variation 1953343 (VCV001953343.2), dbSNP rs2552257266, ClinGen allele CA348811103.